The following is an entry in ClinVar:

ClinVar aggregate classification (germline): Likely benign. Review status: criteria provided, multiple submitters, no conflicts (2 of 4 stars). 6 submissions from 6 submitters: Likely benign (2). 4 of the submissions do not count toward it. Last evaluated 2026-01-19.

Conditions:
PAX6-related disorder. Also called: PAX6-related disorders; PAX6-related condition.
Irido-corneo-trabecular dysgenesis (ASGD5). Also called: ANTERIOR SEGMENT DYSGENESIS 5. Identifiers: Orphanet 708, MedGen C0344559, MONDO:0011414, OMIM 604229, HP:0000659.
Aniridia 1 (AN1). Identifiers: Orphanet 250923, MedGen C0344542, MONDO:0024507, OMIM 106210.

Submissions (6):

Labcorp Genetics (formerly Invitae), Labcorp
Classification: Likely benign for Aniridia 1; Irido-corneo-trabecular dysgenesis. Last evaluated: 2026-01-19. Review status: criteria provided, single submitter. Criteria: Invitae Variant Classification Sherloc (09022015). Collection method: clinical testing. Allele origin: germline.

Blueprint Genetics
Classification: Likely benign. Last evaluated: 2024-10-18. Review status: criteria provided, single submitter. Criteria: ACMG Guidelines, 2015. Collection method: clinical testing. Allele origin: germline.

PreventionGenetics, part of Exact Sciences
Classification: Likely benign for PAX6-related condition. Last evaluated: 2022-07-07. Review status: no assertion criteria provided. Collection method: clinical testing. Allele origin: germline. Not counted in ClinVar's aggregate classification.
Comment: This variant is classified as likely benign based on ACMG/AMP sequence variant interpretation guidelines (Richards et al. 2015 PMID: 25741868, with internal and published modifications).

Clinical Genetics DNA and cytogenetics Diagnostics Lab, Erasmus MC, Erasmus Medical Center
Classification: Benign. Review status: no assertion criteria provided. Collection method: clinical testing. Allele origin: germline. Affected: yes. Study: VKGL Data-share Consensus. Not counted in ClinVar's aggregate classification.

Clinical Genetics, Academic Medical Center
Classification: Likely benign. Review status: no assertion criteria provided. Collection method: clinical testing. Allele origin: germline. Affected: yes. Study: VKGL Data-share Consensus. Not counted in ClinVar's aggregate classification.

Laboratory of Diagnostic Genome Analysis, Leiden University Medical Center (LUMC)
Classification: Likely benign. Review status: no assertion criteria provided. Collection method: clinical testing. Allele origin: germline. Affected: yes. Study: VKGL Data-share Consensus. Not counted in ClinVar's aggregate classification.

NM_001368894.2(PAX6):c.400-15_400-5del

Gene: PAX6 (paired box 6; minus strand). Cytogenetic location: 11p13.
Variant type: Microsatellite.
Coding change: c.400-15_400-5del on transcript NM_001368894.2 (MANE Select); 15 bases into the intron before coding-DNA position 400 through 5 bases into the intron before coding-DNA position 400, 11 bases deleted (TGGTTTGATTT).
Molecular consequence: intron variant.
Genome position (GRCh38, 1-based): chr11:31,800,861-31,800,871, AAATCAAACCA deleted on the plus strand (TGGTTTGATTT on the coding strand, the reverse complement: PAX6 is on the minus strand); deleting any 11 consecutive bases within chr11:31,800,861-31,800,884 gives the same sequence; the c. name uses the placement nearest the transcript's 3' end. VCF-style (leftmost placement, unchanged base first): chr11-31800860-CAAATCAAACCA-C. GRCh37 (hg19) VCF-style: chr11-31822408-CAAATCAAACCA-C.
Other names: c.358-15_358-5delTGGTTTGATTT (NM_000280.4); c.358-15_358-5del (NM_001127612.3, NM_001368890.2, NM_001368888.2 and 10 more transcripts); c.199-15_199-5del (NM_001368921.2, NM_001368923.2, NM_001368926.2 and 4 more transcripts); c.400-15_400-5del (NM_001258462.3, NM_001310158.2, NM_001258463.2 and 6 more transcripts); c.475-15_475-5del (NM_001368919.2, NM_001368918.2); c.601-15_601-5del (NM_001368910.2); c.-51-15_-51-5del (NM_001368909.2, NM_001368904.2, NM_001368905.2 and 11 more transcripts); c.403-15_403-5del (NM_001368911.2); and 3 more.
Identifiers: ClinVar variation 798151 (VCV000798151.18), dbSNP rs758179195, ClinGen allele CA5933887.